The following is an entry in ClinVar:

ClinVar aggregate classification (germline): Uncertain significance (1 of 4 stars; one submission).

Conditions:
Hypertrophic cardiomyopathy 10. Also called: CARDIOMYOPATHY, HYPERTROPHIC, MID-LEFT VENTRICULAR CHAMBER TYPE, 2; MYL2-Related Familial Hypertrophic Cardiomyopathy. Identifiers: MedGen C1834460, MONDO:0012112, OMIM 608758.

Submission:

Labcorp Genetics (formerly Invitae), Labcorp
Classification: Uncertain significance for Hypertrophic cardiomyopathy 10. Last evaluated: 2025-01-28. Review status: criteria provided, single submitter. Criteria: Invitae Variant Classification Sherloc (09022015). Collection method: clinical testing. Allele origin: germline.
Comment: This sequence change replaces glycine, which is neutral and non-polar, with aspartic acid, which is acidic and polar, at codon 12 of the MYL2 protein (p.Gly12Asp). This variant is not present in population databases (gnomAD no frequency). This variant has not been reported in the literature in individuals affected with MYL2-related conditions. ClinVar contains an entry for this variant (Variation ID: 1515660). Experimental studies and prediction algorithms are not available or were not evaluated, and the functional significance of this variant is currently unknown. In summary, the available evidence is currently insufficient to determine the role of this variant in disease. Therefore, it has been classified as a Variant of Uncertain Significance.

NM_000432.4(MYL2):c.35G>A (p.Gly12Asp)

Genes: MYL2 (myosin light chain 2; minus strand), LOC114827850 (VISTA enhancer hs2149; plus strand). Cytogenetic location: 12q24.11.
Variant type: single nucleotide variant.
Coding change: c.35G>A on transcript NM_000432.4 (MANE Select); coding-DNA position 35, G replaced by A.
Protein change: p.Gly12Asp; replaces glycine 12 with aspartic acid.
Molecular consequence: missense variant.
Genome position (GRCh38, 1-based): chr12:110,919,162, C>T on the plus strand (G>A on the coding strand, the complement: MYL2 is on the minus strand). VCF-style: chr12-110919162-C-T. GRCh37 (hg19) VCF-style: chr12-111356966-C-T.
Other names: short protein forms G12D.
Identifiers: ClinVar variation 1515660 (VCV001515660.8), dbSNP rs762584624, ClinGen allele CA386700313.